The following is an entry in ClinVar:

ClinVar aggregate classification (germline): Pathogenic (1 of 4 stars; one submission).

Conditions:
Epidermolysis bullosa simplex 5B, with muscular dystrophy (EBS5B). Also called: Epidermolysis bullosa simplex with muscular dystrophy; EPIDERMOLYSIS BULLOSA SIMPLEX AND LIMB-GIRDLE MUSCULAR DYSTROPHY. Identifiers: Orphanet 257, MedGen C2931072, MONDO:0009181, OMIM 226670.
Epidermolysis bullosa simplex, Ogna type (EBS5A). Also called: Pidermolysis bullosa simplex 5A, Ogna type; EPIDERMOLYSIS BULLOSA SIMPLEX 5A, OGNA TYPE. Identifiers: Orphanet 79401, MedGen C0432317, MONDO:0007555, OMIM 131950.
Autosomal recessive limb-girdle muscular dystrophy type 2Q (LGMDR17). Also called: MUSCULAR DYSTROPHY, LIMB-GIRDLE, AUTOSOMAL RECESSIVE 17. Identifiers: Orphanet 254361, MedGen C3150989, MONDO:0013390, OMIM 613723.
Epidermolysis bullosa simplex with nail dystrophy (EBS5D). Identifiers: MedGen C4225309, MONDO:0014661, OMIM 616487.
Epidermolysis bullosa simplex 5C, with pyloric atresia (EBS5C). Also called: Epidermolysis bullosa simplex with pyloric atresia; PLEC-Related Epidermolysis Bullosa with Pyloric Atresia; PLEC1-Related Epidermolysis Bullosa with Pyloric Atresia. Identifiers: Orphanet 158684, MedGen C2677349, MONDO:0012807, OMIM 612138.

Submission:

Labcorp Genetics (formerly Invitae), Labcorp
Classification: Pathogenic for Autosomal recessive limb-girdle muscular dystrophy type 2Q; Epidermolysis bullosa simplex, Ogna type; Epidermolysis bullosa simplex with nail dystrophy; Epidermolysis bullosa simplex 5C, with pyloric atresia; Epidermolysis bullosa simplex 5B, with muscular dystrophy. Last evaluated: 2021-09-04. Review status: criteria provided, single submitter. Criteria: Invitae Variant Classification Sherloc (09022015). Collection method: clinical testing. Allele origin: germline.
Comment: This sequence change creates a premature translational stop signal (p.Val878Cysfs*40) in the PLEC gene. It is expected to result in an absent or disrupted protein product. Loss-of-function variants in PLEC are known to be pathogenic (PMID: 20301336, 20447487, 21109228, 23289980, 28824526). This variant is not present in population databases (ExAC no frequency). This variant has not been reported in the literature in individuals with PLEC-related conditions. For these reasons, this variant has been classified as Pathogenic.

Literature cited by the submitters: PubMed 20301336; PubMed 20447487; PubMed 21109228; PubMed 23289980; PubMed 28824526.

NM_201384.3(PLEC):c.2551del (p.Val851fs)

Gene: PLEC (plectin; minus strand). Cytogenetic location: 8q24.3.
Variant type: Deletion.
Coding change: c.2551del on transcript NM_201384.3 (MANE Select); coding-DNA position 2551, one base deleted (G; older notation c.2551delG).
Protein change: p.Val851fs; shifts the reading frame from valine 851.
Molecular consequence: frameshift variant.
Genome position (GRCh38, 1-based): chr8:143,930,205, C deleted on the plus strand (G on the coding strand, the reverse complement: PLEC is on the minus strand). VCF-style (leftmost placement, unchanged base first): chr8-143930204-AC-A. GRCh37 (hg19) VCF-style: chr8-145004372-AC-A.
Other names: c.2632del, p.Val878fs (NM_000445.5); c.2509del, p.Val837fs (NM_201378.4); c.2485del, p.Val829fs (NM_201379.3); c.2962del, p.Val988fs (NM_201380.4); c.2455del, p.Val819fs (NM_201381.3); c.2551del, p.Val851fs (NM_201382.4); c.2563del, p.Val855fs (NM_201383.3); short protein forms V988fs, V878fs, V819fs, V829fs, V837fs, V851fs, V855fs.
Identifiers: ClinVar variation 1385604 (VCV001385604.6), dbSNP rs2131767962, ClinGen allele CA2573142894.